The following is an entry in ClinVar:

NM_002872.5(RAC2):c.452C>G (p.Ser151Trp)

Gene: RAC2 (Rac family small GTPase 2; minus strand). Cytogenetic location: 22q13.1.
Variant type: single nucleotide variant.
Coding change: c.452C>G on transcript NM_002872.5 (MANE Select); coding-DNA position 452, C replaced by G.
Protein change: p.Ser151Trp; replaces serine 151 with tryptophan.
Molecular consequence: missense variant.
Genome position (GRCh38, 1-based): chr22:37,226,800, G>C on the plus strand (C>G on the coding strand, the complement: RAC2 is on the minus strand). VCF-style: chr22-37226800-G-C. GRCh37 (hg19) VCF-style: chr22-37622840-G-C.
Other names: short protein forms S151W.
Identifiers: ClinVar variation 2832127 (VCV002832127.3), dbSNP rs147161880, ClinGen allele CA324075625.

ClinVar aggregate classification (germline): Uncertain significance (1 of 4 stars; one submission).

Conditions:
Neutrophil immunodeficiency syndrome. Also called: Immunodeficiency 73A with defective neutrophil chemotaxis and leukocytosis. Identifiers: Orphanet 183707, MedGen C1842398, MONDO:0011988, OMIM 608203.

Allele frequency attached by ClinVar (database versions not stated): ESP Exome Variant Server 0.00008.
gnomAD v4.1: 4 of 1,612,638 alleles (0.00025%); highest among the groups gnomAD compares: Non-Finnish European, 0.00034%; no homozygotes.

Submission:

Labcorp Genetics (formerly Invitae), Labcorp
Classification: Uncertain significance for Neutrophil immunodeficiency syndrome. Last evaluated: 2023-05-24. Review status: criteria provided, single submitter. Criteria: Invitae Variant Classification Sherloc (09022015). Collection method: clinical testing. Allele origin: germline.
Comment: In summary, the available evidence is currently insufficient to determine the role of this variant in disease. Therefore, it has been classified as a Variant of Uncertain Significance. An algorithm developed to predict the effect of missense changes on protein structure and function (PolyPhen-2) suggests that this variant is likely to be disruptive. This variant has not been reported in the literature in individuals affected with RAC2-related conditions. This variant is not present in population databases (gnomAD no frequency). This sequence change replaces serine, which is neutral and polar, with tryptophan, which is neutral and slightly polar, at codon 151 of the RAC2 protein (p.Ser151Trp).